The following is an entry in ClinVar:

ClinVar aggregate classification (germline): Uncertain significance. Review status: criteria provided, multiple submitters, no conflicts (2 of 4 stars). 2 submissions from 2 submitters: Uncertain significance (2). Last evaluated 2023-06-20.

Conditions:
Pseudohypoaldosteronism type 2C (PHA2C). Also called: Pseudohypoaldosteronism Type IIC. Identifiers: Orphanet 757, Orphanet 88940, MedGen C1840391, MONDO:0013778, OMIM 614492.
Neuropathy, hereditary sensory and autonomic, type 2A (HSAN2A). Also called: ACROOSTEOLYSIS, GIACCAI TYPE; ACROOSTEOLYSIS, NEUROGENIC; MORVAN DISEASE; NEUROPATHY, CONGENITAL SENSORY; NEUROPATHY, HEREDITARY SENSORY RADICULAR, AUTOSOMAL RECESSIVE; NEUROPATHY, HEREDITARY SENSORY, TYPE IIA. Identifiers: Orphanet 970, MedGen C2752089, MONDO:0024309, OMIM 201300.

Submissions (2):

GeneDx
Classification: Uncertain significance. Last evaluated: 2023-06-20. Review status: criteria provided, single submitter. Criteria: GeneDx Variant Classification Process June 2021. Collection method: clinical testing. Allele origin: germline. Affected: yes.
Comment: Not observed at significant frequency in large population cohorts (gnomAD); In-frame deletion of 1 amino acid in a non-repeat region; In silico analysis supports a deleterious effect on protein structure/function; Has not been previously published as pathogenic or benign to our knowledge

Labcorp Genetics (formerly Invitae), Labcorp
Classification: Uncertain significance for Neuropathy, hereditary sensory and autonomic, type 2A; Pseudohypoaldosteronism type 2C. Last evaluated: 2023-04-26. Review status: criteria provided, single submitter. Criteria: Invitae Variant Classification Sherloc (09022015). Collection method: clinical testing. Allele origin: germline.
Comment: Experimental studies and prediction algorithms are not available or were not evaluated, and the functional significance of this variant is currently unknown. In summary, the available evidence is currently insufficient to determine the role of this variant in disease. Therefore, it has been classified as a Variant of Uncertain Significance. This variant has not been reported in the literature in individuals affected with WNK1-related conditions. This variant is present in population databases (rs780566005, gnomAD 0.0009%). This variant, c.3262_3264del, results in the deletion of 1 amino acid(s) of the WNK1 protein (p.Glu1088del), but otherwise preserves the integrity of the reading frame.

NM_213655.5(WNK1):c.3259GAA[1] (p.Glu1088del)

Gene: WNK1 (WNK lysine deficient protein kinase 1; plus strand). Cytogenetic location: 12p13.33.
Variant type: Microsatellite.
Coding change: c.3259GAA[1] on transcript NM_213655.5 (MANE Plus Clinical); one copy of the 3-base unit GAA starting at c.3259; the reference has two copies in a row; one copy, 3 bases deleted; also written c.3262_3264del.
Protein change: p.Glu1088del; deletes glutamic acid 1088.
Molecular consequence: inframe deletion. On other transcripts: intron variant (2).
Genome position (GRCh38, 1-based): chr12:868,733-868,735, GAA deleted; deleting any 3 consecutive bases within chr12:868,728-868,735 gives the same sequence; the position shown is the placement nearest the transcript's 3' end. VCF-style (leftmost placement, unchanged base first): chr12-868727-CAAG-C. GRCh37 (hg19) VCF-style: chr12-977893-CAAG-C.
Other names: c.3262_3264del (NM_213655.4); c.3004GAA[1], p.Glu1003del (NM_001184985.2); c.2140-2532_2140-2530del (NM_018979.4, NM_014823.3); short protein forms E1003del, E1088del.
Identifiers: ClinVar variation 1019980 (VCV001019980.8), dbSNP rs780566005, ClinGen allele CA6382321.